The following is an entry in ClinVar:

ClinVar aggregate classification (germline): Uncertain significance (1 of 4 stars; one submission).

Conditions:
Oto-palato-digital syndrome, type II (OPD2). Also called: FACIOPALATOOSSEOUS SYNDROME; OPD II SYNDROME; Otopalatodigital Syndrome, Type II; Otopalatodigital Syndrome Type 2 (FLNA-OPD2). Identifiers: Orphanet 669, Orphanet 90652, MedGen C1844696, MONDO:0010571, OMIM 304120.
Heterotopia, periventricular, X-linked dominant (PVNH1). Also called: PERIVENTRICULAR NODULAR HETEROTOPIA 1; X-linked periventricular heterotopia; PERIVENTRICULAR NODULAR HETEROTOPIA 4; HETEROTOPIA, PERIVENTRICULAR, 1. Identifiers: Orphanet 2149, Orphanet 82004, MedGen C1848213, MONDO:0010233, OMIM 300049.
Frontometaphyseal dysplasia (FMD1). Identifiers: Orphanet 1826, MedGen C0265293, MONDO:0015942.
Melnick-Needles syndrome (MNS). Also called: MELNICK-NEEDLES OSTEODYSPLASTY; OSTEODYSPLASTY OF MELNICK AND NEEDLES; Melnick-Needles Syndrome (FLNA-MNS). Identifiers: Orphanet 2484, MedGen C0025237, MONDO:0010650, OMIM 309350.

Submission:

Labcorp Genetics (formerly Invitae), Labcorp
Classification: Uncertain significance for Oto-palato-digital syndrome, type II; Heterotopia, periventricular, X-linked dominant; Frontometaphyseal dysplasia; Melnick-Needles syndrome. Last evaluated: 2023-03-27. Review status: criteria provided, single submitter. Criteria: Invitae Variant Classification Sherloc (09022015). Collection method: clinical testing. Allele origin: germline.
Comment: In summary, the available evidence is currently insufficient to determine the role of this variant in disease. Therefore, it has been classified as a Variant of Uncertain Significance. Advanced modeling of protein sequence and biophysical properties (such as structural, functional, and spatial information, amino acid conservation, physicochemical variation, residue mobility, and thermodynamic stability) performed at Invitae indicates that this missense variant is not expected to disrupt FLNA protein function. This sequence change replaces leucine, which is neutral and non-polar, with valine, which is neutral and non-polar, at codon 1458 of the FLNA protein (p.Leu1458Val). This variant is not present in population databases (gnomAD no frequency). This variant has not been reported in the literature in individuals affected with FLNA-related conditions.

NM_001110556.2(FLNA):c.4372C>G (p.Leu1458Val)

Gene: FLNA (filamin A; minus strand). Cytogenetic location: Xq28.
Variant type: single nucleotide variant.
Coding change: c.4372C>G on transcript NM_001110556.2 (MANE Select); coding-DNA position 4372, C replaced by G.
Protein change: p.Leu1458Val; replaces leucine 1458 with valine.
Molecular consequence: missense variant.
Genome position (GRCh38, 1-based): chrX:154,359,086, G>C on the plus strand (C>G on the coding strand, the complement: FLNA is on the minus strand). VCF-style: chrX-154359086-G-C. GRCh37 (hg19) VCF-style: chrX-153587454-G-C.
Other names: c.4372C>G, p.Leu1458Val (NM_001456.4); short protein forms L1458V.
Identifiers: ClinVar variation 2945901 (VCV002945901.3), dbSNP rs2522737376, ClinGen allele CA415216905.